The following is an entry in ClinVar:

ClinVar aggregate classification (germline): Benign/Likely benign. Review status: criteria provided, multiple submitters, no conflicts (2 of 4 stars). 7 submissions from 7 submitters: Benign (1); Likely benign (4). 2 of the submissions do not count toward it. Last evaluated 2026-04-01.

Conditions:
MTRR-related disorder. Also called: MTRR-related condition.
Methylcobalamin deficiency type cblE (HMAE). Also called: HOMOCYSTINURIA-MEGALOBLASTIC ANEMIA, cblE COMPLEMENTATION TYPE; HOMOCYSTINURIA-MEGALOBLASTIC ANEMIA, cblE TYPE; VITAMIN B12-RESPONSIVE HOMOCYSTINURIA, cblE TYPE. Identifiers: Orphanet 2169, Orphanet 622, MedGen C1856057, MONDO:0009354, OMIM 236270.
Neural tube defects, folate-sensitive (NTDFS). Also called: NTD, FOLATE-SENSITIVE. Identifiers: Orphanet 823, MedGen C1866558, MONDO:0011120, OMIM 601634.
Disorders of Intracellular Cobalamin Metabolism. Identifiers: MedGen CN043592.

Allele frequency attached by ClinVar (database versions not stated): 1000 Genomes Project 0.00080; gnomAD exomes 0.00249 and 0.00344; ESP Exome Variant Server 0.00261; gnomAD 0.00270 and 0.00274; TOPMed 0.00281; ExAC 0.00307; 1000 Genomes Project 30x 0.00062.

Submissions (7):

CeGaT Center for Human Genetics Tuebingen
Classification: Likely benign. Last evaluated: 2026-04-01. Review status: criteria provided, single submitter. Criteria: CeGaT Center For Human Genetics Tuebingen Variant Classification Criteria Version 2. Collection method: clinical testing. Allele origin: germline. Affected: yes. Observed: 3 variant alleles.
Comment: MTRR: BP4, BP7

Labcorp Genetics (formerly Invitae), Labcorp
Classification: Likely benign for Methylcobalamin deficiency type cblE. Last evaluated: 2026-01-30. Review status: criteria provided, single submitter. Criteria: Invitae Variant Classification Sherloc (09022015). Collection method: clinical testing. Allele origin: germline.

Fulgent Genetics
Classification: Likely benign for Methylcobalamin deficiency type cblE; Neural tube defects, folate-sensitive. Last evaluated: 2021-09-20. Review status: criteria provided, single submitter. Criteria: ACMG Guidelines, 2015. Collection method: clinical testing. Allele origin: unknown.

GeneDx
Classification: Benign. Last evaluated: 2018-01-16. Review status: criteria provided, single submitter. Criteria: GeneDx Variant Classification (06012015). Collection method: clinical testing. Allele origin: germline. Affected: yes.
Comment: This variant is considered likely benign or benign based on one or more of the following criteria: it is a conservative change, it occurs at a poorly conserved position in the protein, it is predicted to be benign by multiple in silico algorithms, and/or has population frequency not consistent with disease.

Illumina Laboratory Services, Illumina
Classification: Likely benign for Disorders of Intracellular Cobalamin Metabolism. Last evaluated: 2018-01-13. Review status: criteria provided, single submitter. Criteria: ICSL Variant Classification Criteria 13 December 2019. Collection method: clinical testing. Allele origin: germline.
Comment: This variant was observed in the ICSL laboratory as part of a predisposition screen in an ostensibly healthy population. It had not been previously curated by ICSL or reported in the Human Gene Mutation Database (HGMD: prior to June 1st, 2018), and was therefore a candidate for classification through an automated scoring system. Utilizing variant allele frequency, disease prevalence and penetrance estimates, and inheritance mode, an automated score was calculated to assess if this variant is too frequent to cause the disease. Based on the score and internal cut-off values, a variant classified as likely benign is not then subjected to further curation. The score for this variant resulted in a classification of likely benign for this disease.

PreventionGenetics, part of Exact Sciences
Classification: Likely benign for MTRR-related condition. Last evaluated: 2024-08-14. Review status: no assertion criteria provided. Collection method: clinical testing. Allele origin: germline. Not counted in ClinVar's aggregate classification.
Comment: This variant is classified as likely benign based on ACMG/AMP sequence variant interpretation guidelines (Richards et al. 2015 PMID: 25741868, with internal and published modifications).

Natera, Inc.
Classification: Benign for CblE complementation type homocystinuria-megaloblastic anemia due to defect in cobalamin metabolism. Last evaluated: 2019-11-27. Review status: no assertion criteria provided. Collection method: clinical testing. Allele origin: germline. Not counted in ClinVar's aggregate classification.

NM_002454.3(MTRR):c.1326C>T (p.Leu442=)

Gene: MTRR (5-methyltetrahydrofolate-homocysteine methyltransferase reductase; plus strand). Cytogenetic location: 5p15.31.
Variant type: single nucleotide variant.
Coding change: c.1326C>T on transcript NM_002454.3 (MANE Select); coding-DNA position 1326, C replaced by T.
Protein change: p.Leu442=; no amino-acid change (leucine 442 retained).
Molecular consequence: synonymous variant. On other transcripts: non-coding transcript variant (14).
Genome position (GRCh38, 1-based): chr5:7,889,274, C>T. VCF-style: chr5-7889274-C-T. GRCh37 (hg19) VCF-style: chr5-7889387-C-T.
Other names: c.1326C>T, p.Leu442= (NM_001364440.2, NM_001364441.2, NM_001364442.2 and 1 more transcripts).
Identifiers: ClinVar variation 381274 (VCV000381274.44), dbSNP rs144781389, ClinGen allele CA3195887.